The following is an entry in ClinVar:

NM_000179.3(MSH6):c.1837T>C (p.Leu613=)

Gene: MSH6 (mutS homolog 6; plus strand). Cytogenetic location: 2p16.3.
Variant type: single nucleotide variant.
Coding change: c.1837T>C on transcript NM_000179.3 (MANE Select); coding-DNA position 1837, T replaced by C.
Protein change: p.Leu613=; no amino-acid change (leucine 613 retained).
Molecular consequence: synonymous variant.
Genome position (GRCh38, 1-based): chr2:47,799,820, T>C. VCF-style: chr2-47799820-T-C. GRCh37 (hg19) VCF-style: chr2-48026959-T-C.
Other names: c.1447T>C, p.Leu483= (NM_001281492.2); c.931T>C, p.Leu311= (NM_001281493.2, NM_001281494.2).
Identifiers: ClinVar variation 378167 (VCV000378167.13), dbSNP rs1057520323, ClinGen allele CA16604288.

ClinVar aggregate classification (germline): Benign/Likely benign. Review status: criteria provided, multiple submitters, no conflicts (2 of 4 stars). 5 submissions from 5 submitters: Benign (1); Likely benign (4). Last evaluated 2025-03-09.

Conditions:
Hereditary nonpolyposis colorectal neoplasms. Identifiers: MedGen C0009405, MeSH D003123.
Hereditary cancer-predisposing syndrome. Also called: Hereditary neoplastic syndrome; Hereditary Cancer Syndrome; Neoplastic Syndromes, Hereditary; Tumor predisposition. Identifiers: Orphanet 140162, MedGen C0027672, MeSH D009386, MONDO:0015356.
Lynch syndrome 5 (LYNCH5). Also called: Colorectal cancer, hereditary nonpolyposis, type 5; Hereditary non-polyposis colorectal cancer, type 5. Identifiers: Orphanet 144, MedGen C1833477, MONDO:0013710, OMIM 614350. Disease mechanism: loss of function.

Allele frequency attached by ClinVar (database versions not stated): gnomAD exomes below 0.00001.
gnomAD v4.1: 1 of 1,614,232 alleles (0.000062%); highest among the groups gnomAD compares: African/African-American, 0.0013%; no homozygotes.

Submissions (5):

Labcorp Genetics (formerly Invitae), Labcorp
Classification: Likely benign for Hereditary nonpolyposis colorectal neoplasms. Last evaluated: 2025-03-09. Review status: criteria provided, single submitter. Criteria: Invitae Variant Classification Sherloc (09022015). Collection method: clinical testing. Allele origin: germline.

Myriad Genetics, Inc.
Classification: Benign for Lynch syndrome 5. Last evaluated: 2024-12-27. Review status: criteria provided, single submitter. Criteria: Myriad Autosomal Dominant, Autosomal Recessive and X-Linked Classification Criteria (2023). Collection method: clinical testing. Allele origin: unknown.
Comment: This variant is considered benign. This variant is a silent/synonymous amino acid change and it is not expected to impact splicing.

Ambry Genetics
Classification: Likely benign for Hereditary cancer-predisposing syndrome. Last evaluated: 2019-09-16. Review status: criteria provided, single submitter. Criteria: Ambry Variant Classification Scheme 2023. Collection method: clinical testing. Allele origin: germline.

Color Diagnostics, LLC DBA Color Health
Classification: Likely benign for Hereditary cancer-predisposing syndrome. Last evaluated: 2017-10-02. Review status: criteria provided, single submitter. Criteria: ACMG Guidelines, 2015. Collection method: clinical testing. Allele origin: germline.

GeneDx
Classification: Likely benign. Last evaluated: 2016-09-23. Review status: criteria provided, single submitter. Criteria: GeneDx Variant Classification (06012015). Collection method: clinical testing. Allele origin: germline. Affected: yes.
Comment: This variant is considered likely benign or benign based on one or more of the following criteria: it is a conservative change, it occurs at a poorly conserved position in the protein, it is predicted to be benign by multiple in silico algorithms, and/or has population frequency not consistent with disease.